The following is an entry in ClinVar:

ClinVar aggregate classification (germline): Uncertain significance. Review status: criteria provided, multiple submitters, no conflicts (2 of 4 stars). 4 submissions from 4 submitters: Uncertain significance (4). Last evaluated 2024-04-28.

Conditions:
BAP1-related tumor predisposition syndrome (TPDS1). Also called: Tumor susceptibility linked to germline BAP1 mutations; BAP1 tumor predisposition syndrome; COMMON Syndrome; TUMOR PREDISPOSITION SYNDROME 1. Identifiers: Orphanet 289539, MedGen C3280492, MONDO:0013692, OMIM 614327.
Hereditary cancer-predisposing syndrome. Also called: Tumor predisposition; Neoplastic Syndromes, Hereditary; Hereditary neoplastic syndrome; Hereditary Cancer Syndrome. Identifiers: Orphanet 140162, MedGen C0027672, MeSH D009386, MONDO:0015356.

Submissions (4):

Ambry Genetics
Classification: Uncertain significance for Hereditary cancer-predisposing syndrome. Last evaluated: 2024-04-28. Review status: criteria provided, single submitter. Criteria: Ambry Variant Classification Scheme 2023. Collection method: clinical testing. Allele origin: germline.
Comment: The p.Q355R variant (also known as c.1064A>G), located in coding exon 11 of the BAP1 gene, results from an A to G substitution at nucleotide position 1064. The glutamine at codon 355 is replaced by arginine, an amino acid with highly similar properties. This amino acid position is conserved. In addition, the in silico prediction for this alteration is inconclusive. Based on the available evidence, the clinical significance of this variant remains unclear.

Color Diagnostics, LLC DBA Color Health
Classification: Uncertain significance for Hereditary cancer-predisposing syndrome. Last evaluated: 2023-12-05. Review status: criteria provided, single submitter. Criteria: ACMG Guidelines, 2015. Collection method: clinical testing. Allele origin: germline.
Comment: This missense variant replaces glutamine with arginine at codon 355 of the BAP1 protein. Computational prediction suggests that this variant may not impact protein structure and function (internally defined REVEL score threshold <= 0.5, PMID: 27666373). To our knowledge, functional studies have not been reported for this variant. This variant has not been reported in individuals affected with BAP1-related disorders in the literature. This variant has not been identified in the general population by the Genome Aggregation Database (gnomAD). The available evidence is insufficient to determine the role of this variant in disease conclusively. Therefore, this variant is classified as a Variant of Uncertain Significance.

Baylor Genetics
Classification: Uncertain significance for BAP1-related tumor predisposition syndrome. Last evaluated: 2023-07-26. Review status: criteria provided, single submitter. Criteria: ACMG Guidelines, 2015. Collection method: clinical testing. Allele origin: unknown.

Labcorp Genetics (formerly Invitae), Labcorp
Classification: Uncertain significance for BAP1-related tumor predisposition syndrome. Last evaluated: 2023-07-19. Review status: criteria provided, single submitter. Criteria: Invitae Variant Classification Sherloc (09022015). Collection method: clinical testing. Allele origin: germline.
Comment: This sequence change replaces glutamine, which is neutral and polar, with arginine, which is basic and polar, at codon 355 of the BAP1 protein (p.Gln355Arg). This variant is not present in population databases (gnomAD no frequency). In summary, the available evidence is currently insufficient to determine the role of this variant in disease. Therefore, it has been classified as a Variant of Uncertain Significance. Advanced modeling of protein sequence and biophysical properties (such as structural, functional, and spatial information, amino acid conservation, physicochemical variation, residue mobility, and thermodynamic stability) performed at Invitae indicates that this missense variant is not expected to disrupt BAP1 protein function. ClinVar contains an entry for this variant (Variation ID: 630942). This variant has not been reported in the literature in individuals affected with BAP1-related conditions.

NM_004656.4(BAP1):c.1064A>G (p.Gln355Arg)

Gene: BAP1 (BRCA1 associated deubiquitinase 1; minus strand). Cytogenetic location: 3p21.1.
Variant type: single nucleotide variant.
Coding change: c.1064A>G on transcript NM_004656.4 (MANE Select); coding-DNA position 1064, A replaced by G.
Protein change: p.Gln355Arg; replaces glutamine 355 with arginine.
Molecular consequence: missense variant.
Genome position (GRCh38, 1-based): chr3:52,405,162, T>C on the plus strand (A>G on the coding strand, the complement: BAP1 is on the minus strand). VCF-style: chr3-52405162-T-C. GRCh37 (hg19) VCF-style: chr3-52439178-T-C.
Other names: c.1064A>G (NM_004656.2); short protein forms Q355R.
Identifiers: ClinVar variation 630942 (VCV000630942.12), dbSNP rs979746353, ClinGen allele CA74742591.